The following is an entry in ClinVar:

NM_001606.5(ABCA2):c.5400C>T (p.Ile1800=)

Gene: ABCA2 (ATP binding cassette subfamily A member 2; minus strand). Cytogenetic location: 9q34.3.
Variant type: single nucleotide variant.
Coding change: c.5400C>T on transcript NM_001606.5 (MANE Select); coding-DNA position 5400, C replaced by T.
Protein change: p.Ile1800=; no amino-acid change (isoleucine 1800 retained).
Molecular consequence: synonymous variant.
Genome position (GRCh38, 1-based): chr9:137,011,979, G>A on the plus strand (C>T on the coding strand, the complement: ABCA2 is on the minus strand). VCF-style: chr9-137011979-G-A. GRCh37 (hg19) VCF-style: chr9-139906431-G-A.
Other names: c.5397C>T, p.Ile1799= (NM_001411042.1); c.5490C>T, p.Ile1830= (NM_212533.3).
Identifiers: ClinVar variation 2659770 (VCV002659770.24), dbSNP rs751984928, ClinGen allele CA5354011.

ClinVar aggregate classification (germline): Likely benign (1 of 4 stars; one submission).

Allele frequency attached by ClinVar (database versions not stated): gnomAD 0.00001.
gnomAD v4.1: 20 of 1,612,542 alleles (0.0012%); highest among the groups gnomAD compares: Non-Finnish European, 0.0014%; no homozygotes.

Submission:

CeGaT Center for Human Genetics Tuebingen
Classification: Likely benign. Last evaluated: 2023-03-01. Review status: criteria provided, single submitter. Criteria: CeGaT Center For Human Genetics Tuebingen Variant Classification Criteria Version 2. Collection method: clinical testing. Allele origin: germline. Affected: yes. Observed: 1 variant allele.
Comment: ABCA2: BP4, BP7